The following is an entry in ClinVar:

ClinVar aggregate classification (germline): Uncertain significance. Review status: criteria provided, multiple submitters, no conflicts (2 of 4 stars). 2 submissions from 2 submitters: Uncertain significance (2). Last evaluated 2024-11-26.

Conditions:
Hereditary cancer-predisposing syndrome. Also called: Hereditary Cancer Syndrome; Hereditary neoplastic syndrome; Neoplastic Syndromes, Hereditary; Tumor predisposition. Identifiers: Orphanet 140162, MedGen C0027672, MeSH D009386, MONDO:0015356.
Rhabdoid tumor predisposition syndrome 2 (RTPS2). Identifiers: Orphanet 231108, Orphanet 69077, MedGen C2750074, MONDO:0013224, OMIM 613325.

Submissions (2):

Ambry Genetics
Classification: Uncertain significance for Hereditary cancer-predisposing syndrome. Last evaluated: 2024-11-26. Review status: criteria provided, single submitter. Criteria: Ambry Variant Classification Scheme 2023. Collection method: clinical testing. Allele origin: germline.
Comment: The c.1524_1525delTGinsCA variant (also known as p.A509T), located in coding exon 8 of the SMARCA4 gene, results from an in-frame deletion of TG and insertion of CA at nucleotide positions 1524 to 1525. This results in the substitution of the alanine residue for a threonine residue at codon 509, an amino acid with similar properties. In addition, the in silico prediction for this alteration is inconclusive (Choi Y et al. PLoS ONE. 2012; 7(10):e46688). Based on the available evidence, the clinical significance of this variant remains unclear.

Labcorp Genetics (formerly Invitae), Labcorp
Classification: Uncertain significance for Rhabdoid tumor predisposition syndrome 2. Last evaluated: 2024-09-23. Review status: criteria provided, single submitter. Criteria: Invitae Variant Classification Sherloc (09022015). Collection method: clinical testing. Allele origin: germline.
Comment: This sequence change replaces alanine, which is neutral and non-polar, with threonine, which is neutral and polar, at codon 509 of the SMARCA4 protein (p.Ala509Thr). Information on the frequency of this variant in the gnomAD database is not available, as this variant may be reported differently in the database. This variant has not been reported in the literature in individuals affected with SMARCA4-related conditions. ClinVar contains an entry for this variant (Variation ID: 408622). Experimental studies and prediction algorithms are not available or were not evaluated, and the functional significance of this variant is currently unknown. In summary, the available evidence is currently insufficient to determine the role of this variant in disease. Therefore, it has been classified as a Variant of Uncertain Significance.

NM_001128849.1(SMARCA4):c.1524_1525inv (p.Ala509Thr)

Gene: SMARCA4 (SWI/SNF related BAF chromatin remodeling complex subunit ATPase 4; plus strand). Cytogenetic location: 19p13.2.
Variant type: Inversion.
Coding change: c.1524_1525inv on transcript NM_001128849.1.
Protein change: p.Ala509Thr; replaces alanine 509 with threonine.
Molecular consequence: missense variant (on NM_003072.5). On other transcripts: non-coding transcript variant (1).
Genome position: GRCh38 VCF-style: chr19-10994932-TG-CA. GRCh37 (hg19) VCF-style: chr19-11105608-TG-CA.
Other names: c.1524_1525inv, p.Ala509Thr (NM_001128844.3, NM_001128845.2, NM_001128846.2 and 5 more transcripts); short protein forms A509T.
Identifiers: ClinVar variation 408622 (VCV000408622.11), ClinGen allele CA16615901.